The following is an entry in ClinVar:

NM_020911.2(PLXNA4):c.1372-86980T>C

Gene: PLXNA4 (plexin A4; minus strand). Cytogenetic location: 7q32.3.
Variant type: single nucleotide variant.
Coding change: c.1372-86980T>C on transcript NM_020911.2 (MANE Select); 86980 bases into the intron before coding-DNA position 1372, T replaced by C.
Molecular consequence: intron variant. On other transcripts: missense variant (1).
Genome position (GRCh38, 1-based): chr7:132,385,202, A>G on the plus strand (T>C on the coding strand, the complement: PLXNA4 is on the minus strand). VCF-style: chr7-132385202-A-G. GRCh37 (hg19) VCF-style: chr7-132069961-A-G.
Other names: c.1465T>C, p.Cys489Arg (NM_001105543.2); c.1372-86980T>C (NM_001393897.1); short protein forms C489R.
Identifiers: ClinVar variation 4986841 (VCV004986841.1).

ClinVar aggregate classification (germline): Uncertain significance (1 of 4 stars; one submission).

Conditions:
PLXNA4-related disorder. Also called: PLXNA4-related condition.

Submission:

PreventionGenetics, part of Exact Sciences
Classification: Uncertain significance for PLXNA4-related condition. Last evaluated: 2024-10-30. Review status: criteria provided, single submitter. Criteria: ACMG Guidelines, 2015. Collection method: clinical testing. Allele origin: germline.
Comment: The PLXNA4 c.1465T>C variant is predicted to result in the amino acid substitution p.Cys489Arg. To our knowledge, this variant has not been reported in the literature or in a large population database (gnomAD), indicating this variant is rare. At this time, the clinical significance of this variant is uncertain due to the absence of conclusive functional and genetic evidence.